The following is an entry in ClinVar:

NM_000458.4(HNF1B):c.887T>C (p.Val296Ala)

Gene: HNF1B (HNF1 homeobox B; minus strand). Cytogenetic location: 17q12.
Variant type: single nucleotide variant.
Coding change: c.887T>C on transcript NM_000458.4 (MANE Select); coding-DNA position 887, T replaced by C.
Protein change: p.Val296Ala; replaces valine 296 with alanine.
Molecular consequence: missense variant.
Genome position (GRCh38, 1-based): chr17:37,731,753, A>G on the plus strand (T>C on the coding strand, the complement: HNF1B is on the minus strand). VCF-style: chr17-37731753-A-G. GRCh37 (hg19) VCF-style: chr17-36091744-A-G.
Other names: c.809T>C, p.Val270Ala (NM_001165923.4, NM_001304286.2); c.887T>C, p.Val296Ala (NM_001411100.1); short protein forms V270A, V296A.
Identifiers: ClinVar variation 2010586 (VCV002010586.4), dbSNP rs2511801676, ClinGen allele CA398746839.

ClinVar aggregate classification (germline): Uncertain significance (1 of 4 stars; one submission).

Submission:

Labcorp Genetics (formerly Invitae), Labcorp
Classification: Uncertain significance. Last evaluated: 2022-06-25. Review status: criteria provided, single submitter. Criteria: Invitae Variant Classification Sherloc (09022015). Collection method: clinical testing. Allele origin: germline.
Comment: In summary, the available evidence is currently insufficient to determine the role of this variant in disease. Therefore, it has been classified as a Variant of Uncertain Significance. Advanced modeling of protein sequence and biophysical properties (such as structural, functional, and spatial information, amino acid conservation, physicochemical variation, residue mobility, and thermodynamic stability) performed at Invitae indicates that this missense variant is expected to disrupt HNF1B protein function. This variant has not been reported in the literature in individuals affected with HNF1B-related conditions. This variant is not present in population databases (gnomAD no frequency). This sequence change replaces valine, which is neutral and non-polar, with alanine, which is neutral and non-polar, at codon 296 of the HNF1B protein (p.Val296Ala).